The following is an entry in ClinVar:

ClinVar aggregate classification (germline): Uncertain significance (1 of 4 stars; one submission).

Submission:

Labcorp Genetics (formerly Invitae), Labcorp
Classification: Uncertain significance. Last evaluated: 2023-02-13. Review status: criteria provided, single submitter. Criteria: Invitae Variant Classification Sherloc (09022015). Collection method: clinical testing. Allele origin: germline.
Comment: This sequence change replaces alanine, which is neutral and non-polar, with threonine, which is neutral and polar, at codon 110 of the SOX10 protein (p.Ala110Thr). This variant is not present in population databases (gnomAD no frequency). This variant has not been reported in the literature in individuals affected with SOX10-related conditions. Advanced modeling of protein sequence and biophysical properties (such as structural, functional, and spatial information, amino acid conservation, physicochemical variation, residue mobility, and thermodynamic stability) performed at Invitae indicates that this missense variant is expected to disrupt SOX10 protein function. In summary, the available evidence is currently insufficient to determine the role of this variant in disease. Therefore, it has been classified as a Variant of Uncertain Significance.

NM_006941.4(SOX10):c.328G>A (p.Ala110Thr)

Genes: POLR2F (RNA polymerase II, I and III subunit F; plus strand), SOX10 (SRY-box transcription factor 10; minus strand). Cytogenetic location: 22q13.1.
Variant type: single nucleotide variant.
Coding change: c.328G>A on transcript NM_006941.4 (MANE Select); coding-DNA position 328, G replaced by A.
Protein change: p.Ala110Thr; replaces alanine 110 with threonine.
Molecular consequence: missense variant. On other transcripts: intron variant (3).
Genome position (GRCh38, 1-based): chr22:37,983,457, C>T on the plus strand (G>A on the coding strand, the complement: SOX10 is on the minus strand). VCF-style: chr22-37983457-C-T. GRCh37 (hg19) VCF-style: chr22-38379464-C-T.
Other names: c.*38+11147C>T (NM_001363825.1); c.294-2697C>T (NM_001301130.2); c.293+16287C>T (NM_001301131.2); short protein forms A110T.
Identifiers: ClinVar variation 2836702 (VCV002836702.3), dbSNP rs2518052415, ClinGen allele CA411500624.
Genomic context (GRCh38, chr22:37,983,457, plus strand): 5'-GCAGGTGCGGGTACTGGTCCGCGAGCTTCCTGCGCGCTGCCTGAGCCCACACCATGAAGG[C>T]GTTCATGGGCCGCTTGACGTGCGGCTTGCTTTTGCTGGCGCCGTTGACGCGCACGGGCAT-3'
Protein context (NP_008872.1, residues 100-120): SKPHVKRPMN[Ala110Thr]FMVWAQAARR